The following is an entry in ClinVar:

NM_002528.7(NTHL1):c.670A>G (p.Thr224Ala)

Gene: NTHL1 (nth like DNA glycosylase 1; minus strand). Cytogenetic location: 16p13.3.
Variant type: single nucleotide variant.
Coding change: c.670A>G on transcript NM_002528.7 (MANE Select); coding-DNA position 670, A replaced by G.
Protein change: p.Thr224Ala; replaces threonine 224 with alanine.
Molecular consequence: missense variant.
Genome position (GRCh38, 1-based): chr16:2,043,582, T>C on the plus strand (A>G on the coding strand, the complement: NTHL1 is on the minus strand). VCF-style: chr16-2043582-T-C. GRCh37 (hg19) VCF-style: chr16-2093583-T-C.
Other names: c.499A>G, p.Thr167Ala (NM_001318193.2); c.340A>G, p.Thr114Ala (NM_001318194.2); c.694A>G (NM_002528.6); short protein forms T167A, T114A, T224A.
Identifiers: ClinVar variation 1756279 (VCV001756279.4), dbSNP rs2084297825, ClinGen allele CA394290911.

ClinVar aggregate classification (germline): Uncertain significance. Review status: criteria provided, multiple submitters, no conflicts (2 of 4 stars). 2 submissions from 2 submitters: Uncertain significance (2). Last evaluated 2025-06-14.

Conditions:
Hereditary cancer-predisposing syndrome. Also called: Neoplastic Syndromes, Hereditary; Tumor predisposition; Hereditary Cancer Syndrome; Hereditary neoplastic syndrome. Identifiers: Orphanet 140162, MedGen C0027672, MeSH D009386, MONDO:0015356.

Submissions (2):

Ambry Genetics
Classification: Uncertain significance for Hereditary cancer-predisposing syndrome. Last evaluated: 2025-06-14. Review status: criteria provided, single submitter. Criteria: Ambry Variant Classification Scheme 2023. Collection method: clinical testing. Allele origin: germline.
Comment: The p.T232A variant (also known as c.694A>G), located in coding exon 4 of the NTHL1 gene, results from an A to G substitution at nucleotide position 694. The threonine at codon 232 is replaced by alanine, an amino acid with similar properties. This amino acid position is not well conserved in available vertebrate species. In addition, this alteration is predicted to be tolerated by in silico analysis. Since supporting evidence is limited at this time, the clinical significance of this alteration remains unclear.

Quest Diagnostics Nichols Institute San Juan Capistrano
Classification: Uncertain significance. Last evaluated: 2024-01-25. Review status: criteria provided, single submitter. Criteria: Quest Diagnostics criteria. Collection method: clinical testing. Allele origin: unknown.
Comment: The NTHL1 c.694A>G (p.Thr232Ala) variant has not been reported in individuals with NTHL1-related conditions in the published literature. It also has not been reported in large, multi-ethnic general populations (Genome Aggregation Database). Analysis of this variant using bioinformatics tools for the prediction of the effect of amino acid changes on protein structure and function yielded predictions that this variant is benign. Based on the available information, we are unable to determine the clinical significance of this variant.